The following is an entry in ClinVar:

NM_001077653.2(TBX20):c.1297A>G (p.Ile433Val)

Gene: TBX20 (T-box transcription factor 20; minus strand). Cytogenetic location: 7p14.2.
Variant type: single nucleotide variant.
Coding change: c.1297A>G on transcript NM_001077653.2 (MANE Select); coding-DNA position 1297, A replaced by G.
Protein change: p.Ile433Val; replaces isoleucine 433 with valine.
Molecular consequence: missense variant.
Genome position (GRCh38, 1-based): chr7:35,202,477, T>C on the plus strand (A>G on the coding strand, the complement: TBX20 is on the minus strand). VCF-style: chr7-35202477-T-C. GRCh37 (hg19) VCF-style: chr7-35242089-T-C.
Other names: short protein forms I433V.
Identifiers: ClinVar variation 2560827 (VCV002560827.2), dbSNP rs373392876, ClinGen allele CA4217323.
Genomic context (GRCh38, chr7:35,202,477, plus strand): 5'-ATTTTTAGAAGAGTCATACAAATGGCGTCATCACAGCAGAGGAATGGCGTAGTCCTTGAA[T>C]GGCAGCATAGGGCCCCTGCTGAAAATAGTGATGGTATCGCGGCATGTGGAATGAAGGGAA-3'
Protein context (NP_001071121.1, residues 423-443): HYFQQGPYAA[Ile433Val]QGLRHSSAVM

ClinVar aggregate classification (germline): Uncertain significance (1 of 4 stars; one submission).

Conditions:
Cardiovascular phenotype. Identifiers: MedGen CN230736.

Allele frequency attached by ClinVar (database versions not stated): gnomAD 0.00001; ExAC 0.00002; ESP Exome Variant Server 0.00008.
gnomAD v4.1: 1 of 1,607,020 alleles (0.000062%); highest among the groups gnomAD compares: African/African-American, 0.0013%; no homozygotes.

Submission:

Ambry Genetics
Classification: Uncertain significance for Cardiovascular phenotype. Last evaluated: 2023-04-09. Review status: criteria provided, single submitter. Criteria: Ambry Variant Classification Scheme 2023. Collection method: clinical testing. Allele origin: germline.
Comment: The p.I433V variant (also known as c.1297A>G), located in coding exon 8 of the TBX20 gene, results from an A to G substitution at nucleotide position 1297. The isoleucine at codon 433 is replaced by valine, an amino acid with highly similar properties. This amino acid position is conserved. In addition, this alteration is predicted to be tolerated by in silico analysis. Since supporting evidence is limited at this time, the clinical significance of this alteration remains unclear.